The following is an entry in ClinVar:

ClinVar aggregate classification (germline): Pathogenic/Likely pathogenic. Review status: criteria provided, multiple submitters, no conflicts (2 of 4 stars). 3 submissions from 3 submitters: Pathogenic (2); Likely pathogenic (1). Last evaluated 2025-07-08.

Conditions:
Neurofibromatosis, type 1 (NF1). Also called: Neurofibromatosis, type I; NEUROFIBROMATOSIS, TYPE I, SOMATIC; VON RECKLINGHAUSEN DISEASE; Peripheral type neurofibromatosis. Identifiers: Orphanet 636, MedGen C0027831, MONDO:0018975, OMIM 162200. Disease mechanism: loss of function.

Submissions (3):

Labcorp Genetics (formerly Invitae), Labcorp
Classification: Pathogenic for Neurofibromatosis, type 1. Last evaluated: 2025-07-08. Review status: criteria provided, single submitter. Criteria: Invitae Variant Classification Sherloc (09022015). Collection method: clinical testing. Allele origin: germline.
Comment: This sequence change creates a premature translational stop signal (p.Gln2561*) in the NF1 gene. It is expected to result in an absent or disrupted protein product. Loss-of-function variants in NF1 are known to be pathogenic (PMID: 10712197, 23913538). This variant is not present in population databases (gnomAD no frequency). This premature translational stop signal has been observed in individual(s) with neurofibromatosis type 1 (PMID: 38226287). ClinVar contains an entry for this variant (Variation ID: 2573147). Algorithms developed to predict the effect of sequence changes on RNA splicing suggest that this variant may disrupt the consensus splice site. For these reasons, this variant has been classified as Pathogenic.

GeneDx
Classification: Pathogenic. Last evaluated: 2025-04-03. Review status: criteria provided, single submitter. Criteria: GeneDx Variant Classification Process June 2021. Collection method: clinical testing. Allele origin: germline. Affected: yes.
Comment: Nonsense variant predicted to result in protein truncation or nonsense mediated decay in a gene for which loss of function is a known mechanism of disease; Not observed at significant frequency in large population cohorts (gnomAD); This variant is associated with the following publications: (PMID: 23656349, 38226287, 33877690)

Department of Paediatric Medicine, Post Graduation Institute of Medical Education and Research
Classification: Likely pathogenic for Neurofibromatosis, type 1. Last evaluated: 2023-07-21. Review status: criteria provided, single submitter. Criteria: ACMG Guidelines, 2015. Collection method: clinical testing. Allele origin: de novo. Inheritance: Autosomal dominant inheritance. Affected: yes. Observed: 1 variant allele, 1 heterozygote.
Comment: A heterozygous nonsense variation in exon 53 of the NF1 gene (chr17:g.31356965C>T; Depth: 97x) that results in a stop codon and premature truncation of the protein at codon 2582 (p.Gln2582Ter; ENST00000358273.9) was detected. This variant has not been reported in the 1000 genomes, gnomAD and in our internal databases. The in silico prediction# of the variant is damaging by MutationTaster2. The reference codon is conserved across species.

Literature cited by the submitters: PubMed 10712197 (cited by Labcorp Genetics (formerly Invitae), Labcorp); PubMed 23913538 (cited by Labcorp Genetics (formerly Invitae), Labcorp); PubMed 38226287 (cited by Labcorp Genetics (formerly Invitae), Labcorp).

NM_001042492.3(NF1):c.7744C>T (p.Gln2582Ter)

Gene: NF1 (neurofibromin 1; plus strand). Cytogenetic location: 17q11.2.
Variant type: single nucleotide variant.
Coding change: c.7744C>T on transcript NM_001042492.3 (MANE Select); coding-DNA position 7744, C replaced by T.
Protein change: p.Gln2582Ter; replaces glutamine 2582 with a stop codon.
Molecular consequence: nonsense.
Genome position (GRCh38, 1-based): chr17:31,356,965, C>T. VCF-style: chr17-31356965-C-T. GRCh37 (hg19) VCF-style: chr17-29683983-C-T.
Other names: c.7681C>T, p.Gln2561Ter (NM_000267.4); short protein forms Q2561*, Q2582*.
Identifiers: ClinVar variation 2573147 (VCV002573147.4), dbSNP rs587781651, ClinGen allele CA399018321.